The following is an entry in ClinVar:

ClinVar aggregate classification (germline): Uncertain significance. Review status: criteria provided, multiple submitters, no conflicts (2 of 4 stars). 6 submissions from 6 submitters: Uncertain significance (5). 1 of the submissions does not count toward it. Last evaluated 2026-02-12.

Conditions:
BBS1-related disorder. Also called: BBS1-related condition.
Bardet-Biedl syndrome (BBS). Identifiers: Orphanet 110, MedGen C0752166, MONDO:0015229.
Bardet-Biedl syndrome 1 (BBS1). Identifiers: MedGen C2936862, MONDO:0008854, OMIM 209900. Disease mechanism: loss of function.

Allele frequency attached by ClinVar (database versions not stated): gnomAD exomes 0.00006 and 0.00001; gnomAD 0.00001 and 0.00002; TOPMed 0.00003; ExAC 0.00007.
gnomAD v4.1: 18 of 1,614,134 alleles (0.0011%); highest among the groups gnomAD compares: East Asian, 0.036%; no homozygotes.

Submissions (6):

PreventionGenetics, part of Exact Sciences
Classification: Uncertain significance for BBS1-related condition. Last evaluated: 2026-02-12. Review status: criteria provided, single submitter. Criteria: ACMG Guidelines, 2015. Collection method: clinical testing. Allele origin: germline.
Comment: The BBS1 c.772G>C variant is predicted to result in the amino acid substitution p.Asp258His. This variant has been reported with another variant in an individual with hypospadias (Xie et al. 2022. PubMed ID: 35729303). This variant is reported in 0.085% of alleles in individuals of East Asian descent in gnomAD v2. However, in gnomad v4 (available only on GRCh38), this variant is reported in 0.036% of alleles in individuals of East Asian descent. At this time, the clinical significance of this variant is uncertain due to the absence of conclusive functional and genetic evidence.

Blueprint Genetics
Classification: Uncertain significance. Last evaluated: 2023-07-10. Review status: criteria provided, single submitter. Criteria: ACMG Guidelines, 2015. Collection method: clinical testing. Allele origin: germline.

Labcorp Genetics (formerly Invitae), Labcorp
Classification: Uncertain significance for Bardet-Biedl syndrome. Last evaluated: 2022-07-12. Review status: criteria provided, single submitter. Criteria: Invitae Variant Classification Sherloc (09022015). Collection method: clinical testing. Allele origin: germline.
Comment: This sequence change replaces aspartic acid, which is acidic and polar, with histidine, which is basic and polar, at codon 258 of the BBS1 protein (p.Asp258His). This variant is present in population databases (rs779297419, gnomAD 0.09%). This variant has not been reported in the literature in individuals affected with BBS1-related conditions. ClinVar contains an entry for this variant (Variation ID: 289320). Algorithms developed to predict the effect of missense changes on protein structure and function are either unavailable or do not agree on the potential impact of this missense change (SIFT: "Deleterious"; PolyPhen-2: "Probably Damaging"; Align-GVGD: "Class C0"). In summary, the available evidence is currently insufficient to determine the role of this variant in disease. Therefore, it has been classified as a Variant of Uncertain Significance.

Fulgent Genetics
Classification: Uncertain significance for Bardet-Biedl syndrome 1. Last evaluated: 2022-01-07. Review status: criteria provided, single submitter. Criteria: ACMG Guidelines, 2015. Collection method: clinical testing. Allele origin: unknown.

Eurofins Ntd Llc (ga)
Classification: Uncertain significance. Last evaluated: 2016-08-04. Review status: criteria provided, single submitter. Criteria: EGL Classification Definitions 2015. Collection method: clinical testing. Allele origin: germline. Observed: 1 variant allele, 1 heterozygote.

Natera, Inc.
Classification: Uncertain significance for Bardet-Biedl syndrome type 1. Last evaluated: 2020-04-14. Review status: no assertion criteria provided. Collection method: clinical testing. Allele origin: germline. Not counted in ClinVar's aggregate classification.

NM_024649.5(BBS1):c.772G>C (p.Asp258His)

Genes: BBS1 (Bardet-Biedl syndrome 1; plus strand), ZDHHC24 (zDHHC palmitoyltransferase 24; minus strand). Cytogenetic location: 11q13.2.
Variant type: single nucleotide variant.
Coding change: c.772G>C on transcript NM_024649.5 (MANE Select); coding-DNA position 772, G replaced by C.
Protein change: p.Asp258His; replaces aspartic acid 258 with histidine.
Molecular consequence: missense variant. On other transcripts: 3 prime UTR variant (1).
Genome position (GRCh38, 1-based): chr11:66,521,318, G>C. VCF-style: chr11-66521318-G-C. GRCh37 (hg19) VCF-style: chr11-66288789-G-C.
Other names: c.*170C>G (NM_001348571.2); c.772G>C (NM_024649.4); short protein forms D258H.
Identifiers: ClinVar variation 289320 (VCV000289320.14), dbSNP rs779297419, ClinGen allele CA6123487.
Genomic context (GRCh38, chr11:66,521,318, plus strand): 5'-TCTTGTTTGCAGATGAGCCTTCCCAGCGTCCCCGTCTTCCTAGAGGTTTCTGGCCAGTTT[G>C]ATGTTGAGTTCCGGCTTGCCGCGGCCTGCCGCAATGGAAACATCTATATTCTGAGAAGGT-3'
Protein context (NP_078925.3, residues 248-268): PVFLEVSGQF[Asp258His]VEFRLAAACR